The following is an entry in ClinVar:

ClinVar aggregate classification (germline): Uncertain significance (1 of 4 stars; one submission).

Allele frequency attached by ClinVar (database versions not stated): gnomAD 0.00001; 1000 Genomes Project 30x 0.00016; 1000 Genomes Project 0.00020.
gnomAD v4.1: 1 of 1,613,858 alleles (0.000062%); highest among the groups gnomAD compares: Non-Finnish European, 0.000085%; no homozygotes.

Submission:

Labcorp Genetics (formerly Invitae), Labcorp
Classification: Uncertain significance. Last evaluated: 2022-08-19. Review status: criteria provided, single submitter. Criteria: Invitae Variant Classification Sherloc (09022015). Collection method: clinical testing. Allele origin: germline.
Comment: This variant has not been reported in the literature in individuals affected with TUBGCP6-related conditions. In summary, the available evidence is currently insufficient to determine the role of this variant in disease. Therefore, it has been classified as a Variant of Uncertain Significance. Algorithms developed to predict the effect of sequence changes on RNA splicing suggest that this variant may create or strengthen a splice site. Algorithms developed to predict the effect of missense changes on protein structure and function are either unavailable or do not agree on the potential impact of this missense change (SIFT: "Tolerated"; PolyPhen-2: "Possibly Damaging"; Align-GVGD: "Class C0"). This variant is not present in population databases (gnomAD no frequency). This sequence change replaces lysine, which is basic and polar, with arginine, which is basic and polar, at codon 1793 of the TUBGCP6 protein (p.Lys1793Arg).

NM_020461.4(TUBGCP6):c.5378A>G (p.Lys1793Arg)

Gene: TUBGCP6 (tubulin gamma complex component 6; minus strand). Cytogenetic location: 22q13.33.
Variant type: single nucleotide variant.
Coding change: c.5378A>G on transcript NM_020461.4 (MANE Select); coding-DNA position 5378, A replaced by G.
Protein change: p.Lys1793Arg; replaces lysine 1793 with arginine.
Molecular consequence: missense variant.
Genome position (GRCh38, 1-based): chr22:50,217,818, T>C on the plus strand (A>G on the coding strand, the complement: TUBGCP6 is on the minus strand). VCF-style: chr22-50217818-T-C. GRCh37 (hg19) VCF-style: chr22-50656247-T-C.
Other names: short protein forms K1793R.
Identifiers: ClinVar variation 2012016 (VCV002012016.4), dbSNP rs199976800, ClinGen allele CA325508470.